The following is an entry in ClinVar:

NM_022841.7(RFX7):c.4331G>A (p.Gly1444Asp)

Gene: RFX7 (regulatory factor X7; minus strand). Cytogenetic location: 15q21.3.
Variant type: single nucleotide variant.
Coding change: c.4331G>A on transcript NM_022841.7 (MANE Select); coding-DNA position 4331, G replaced by A.
Protein change: p.Gly1444Asp; replaces glycine 1444 with aspartic acid.
Molecular consequence: missense variant. On other transcripts: intron variant (1).
Genome position (GRCh38, 1-based): chr15:56,093,397, C>T on the plus strand (G>A on the coding strand, the complement: RFX7 is on the minus strand). VCF-style: chr15-56093397-C-T. GRCh37 (hg19) VCF-style: chr15-56385595-C-T.
Other names: c.4040G>A, p.Gly1347Asp (NM_001368073.2, NM_001368074.1); c.4331G>A, p.Gly1444Asp (NM_001370561.1); c.3804+236G>A (NM_001370554.1); short protein forms G1347D, G1444D.
Identifiers: ClinVar variation 4755622 (VCV004755622.1).
Genomic context (GRCh38, chr15:56,093,397, plus strand): 5'-AACACAATTTAACCCAACATTTCAACAGTAGGATGGTCCTTGCTTTCTATCCATTCAAAA[C>T]CTGATGAAGTCATAGAATTCATGGATTCACTGCAAATTTGTTGAAATAATGGGTCATTCT-3'
Protein context (NP_073752.6, residues 1434-1454): SESMNSMTSS[Gly1444Asp]FEWIESKDHP

ClinVar aggregate classification (germline): Uncertain significance (1 of 4 stars; one submission).

gnomAD v4.1: 1 of 1,613,436 alleles (0.000062%); highest among the groups gnomAD compares: East Asian, 0.0022%; no homozygotes.

Submission:

GeneDx
Classification: Uncertain significance. Last evaluated: 2025-08-09. Review status: criteria provided, single submitter. Criteria: GeneDx Variant Classification Process June 2021. Collection method: clinical testing. Allele origin: germline. Affected: yes.
Comment: Not observed at significant frequency in large population cohorts (gnomAD); In silico analysis suggests that this missense variant does not alter protein structure/function; Has not been previously published as pathogenic or benign to our knowledge